The following is an entry in ClinVar:

NM_000054.7(AVPR2):c.520C>G (p.Gln174Glu)

Gene: AVPR2 (arginine vasopressin receptor 2; plus strand). Cytogenetic location: Xq28.
Variant type: single nucleotide variant.
Coding change: c.520C>G on transcript NM_000054.7 (MANE Select); coding-DNA position 520, C replaced by G.
Protein change: p.Gln174Glu; replaces glutamine 174 with glutamic acid.
Molecular consequence: missense variant. On other transcripts: non-coding transcript variant (1).
Genome position (GRCh38, 1-based): chrX:153,906,026, C>G. VCF-style: chrX-153906026-C-G. GRCh37 (hg19) VCF-style: chrX-153171480-C-G.
Other names: c.520C>G, p.Gln174Glu (NM_001146151.3); short protein forms Q174E.
Identifiers: ClinVar variation 3236770 (VCV003236770.1), dbSNP rs2521155993.

ClinVar aggregate classification (germline): Likely pathogenic (1 of 4 stars; one submission).

Conditions:
Diabetes insipidus, nephrogenic, X-linked. Also called: Nephrogenic Diabetes Insipidus, Type I. Identifiers: Orphanet 223, MedGen C1563705, MONDO:0010581, OMIM 304800.

Submission:

MVZ Medizinische Genetik Mainz
Classification: Likely pathogenic for Diabetes insipidus, nephrogenic, X-linked. Last evaluated: 2023-03-14. Review status: criteria provided, single submitter. Criteria: UK Practice Guidelines For Variant Classification V4 01 2020. Collection method: clinical testing. Allele origin: germline. Inheritance: X-linked dominant inheritance. Affected: yes. Observed: 1 variant allele.
Comment: ACMG Criteria: PM1,PM5,PP4_MOD,PM2_SUP